The following is an entry in ClinVar:

NM_001039591.3(USP9X):c.3631G>A (p.Glu1211Lys)

Gene: USP9X (ubiquitin specific peptidase 9 X-linked; plus strand). Cytogenetic location: Xp11.4.
Variant type: single nucleotide variant.
Coding change: c.3631G>A on transcript NM_001039591.3 (MANE Select); coding-DNA position 3631, G replaced by A.
Protein change: p.Glu1211Lys; replaces glutamic acid 1211 with lysine.
Molecular consequence: missense variant.
Genome position (GRCh38, 1-based): chrX:41,186,589, G>A. VCF-style: chrX-41186589-G-A. GRCh37 (hg19) VCF-style: chrX-41045842-G-A.
Other names: c.3631G>A, p.Glu1211Lys (NM_001039590.3); c.3646G>A, p.Glu1216Lys (NM_001410748.1, NM_001410749.1, NM_001437534.1); short protein forms E1211K, E1216K.
Identifiers: ClinVar variation 4768590 (VCV004768590.1).

ClinVar aggregate classification (germline): Uncertain significance (1 of 4 stars; one submission).

Submission:

Labcorp Genetics (formerly Invitae), Labcorp
Classification: Uncertain significance. Last evaluated: 2025-10-19. Review status: criteria provided, single submitter. Criteria: Invitae Variant Classification Sherloc (09022015). Collection method: clinical testing. Allele origin: germline.
Comment: This sequence change replaces glutamic acid, which is acidic and polar, with lysine, which is basic and polar, at codon 1211 of the USP9X protein (p.Glu1211Lys). This variant is present in population databases (rs767415681, gnomAD 0.001%), including at least one homozygous and/or hemizygous individual. This variant has not been reported in the literature in individuals affected with USP9X-related conditions. An algorithm developed to predict the effect of missense changes on protein structure and function (PolyPhen-2) suggests that this variant is likely to be disruptive. In summary, the available evidence is currently insufficient to determine the role of this variant in disease. Therefore, it has been classified as a Variant of Uncertain Significance.